The following is an entry in ClinVar:

NM_003680.4(YARS1):c.*680A>G

Gene: YARS1 (tyrosyl-tRNA synthetase 1; minus strand). Cytogenetic location: 1p35.1.
Variant type: single nucleotide variant.
Coding change: c.*680A>G on transcript NM_003680.4 (MANE Select); 680 bases downstream of the stop codon, A replaced by G.
Molecular consequence: 3 prime UTR variant.
Genome position (GRCh38, 1-based): chr1:32,775,301, T>C on the plus strand (A>G on the coding strand, the complement: YARS1 is on the minus strand). VCF-style: chr1-32775301-T-C. GRCh37 (hg19) VCF-style: chr1-33240902-T-C.
Identifiers: ClinVar variation 297135 (VCV000297135.5), dbSNP rs536402126, ClinGen allele CA10609845.

ClinVar aggregate classification (germline): Benign (1 of 4 stars; one submission).

Conditions:
Charcot-Marie-Tooth disease dominant intermediate C (CMTDIC). Also called: CHARCOT-MARIE-TOOTH NEUROPATHY, DOMINANT INTERMEDIATE C. Identifiers: Orphanet 100045, MedGen C1842237, MONDO:0012012, OMIM 608323.

Allele frequency attached by ClinVar (database versions not stated): gnomAD 0.00009 and 0.00017; TOPMed 0.00011; 1000 Genomes Project 0.00080; 1000 Genomes Project 30x 0.00109.

Submission:

Illumina Laboratory Services, Illumina
Classification: Benign for Charcot-Marie-Tooth disease dominant intermediate C. Last evaluated: 2018-01-13. Review status: criteria provided, single submitter. Criteria: ICSL Variant Classification Criteria 13 December 2019. Collection method: clinical testing. Allele origin: germline.
Comment: This variant was observed in the ICSL laboratory as part of a predisposition screen in an ostensibly healthy population. It had not been previously curated by ICSL or reported in the Human Gene Mutation Database (HGMD: prior to June 1st, 2018), and was therefore a candidate for classification through an automated scoring system. Utilizing variant allele frequency, disease prevalence and penetrance estimates, and inheritance mode, an automated score was calculated to assess if this variant is too frequent to cause the disease. Based on the score and internal cut-off values, a variant classified as benign is not then subjected to further curation. The score for this variant resulted in a classification of benign for this disease.